The following is an entry in ClinVar:

ClinVar aggregate classification (germline): Likely pathogenic (1 of 4 stars; one submission).

Conditions:
Spastic paraplegia. Identifiers: MedGen C0037772, HP:0001258.

Allele frequency attached by ClinVar (database versions not stated): TOPMed below 0.00001.

Submission:

Labcorp Genetics (formerly Invitae), Labcorp
Classification: Likely pathogenic for Spastic paraplegia. Last evaluated: 2023-07-07. Review status: criteria provided, single submitter. Criteria: Invitae Variant Classification Sherloc (09022015). Collection method: clinical testing. Allele origin: germline.
Comment: This sequence change affects a donor splice site in intron 1 of the CYP7B1 gene. It is expected to disrupt RNA splicing. Variants that disrupt the donor or acceptor splice site typically lead to a loss of protein function (PMID: 16199547), and loss-of-function variants in CYP7B1 are known to be pathogenic (PMID: 9802883, 19363635, 19439420, 21541746, 21567895, 28039895). In summary, the currently available evidence indicates that the variant is pathogenic, but additional data are needed to prove that conclusively. Therefore, this variant has been classified as Likely Pathogenic. Algorithms developed to predict the effect of sequence changes on RNA splicing suggest that this variant may disrupt the consensus splice site. ClinVar contains an entry for this variant (Variation ID: 2068136). This variant has not been reported in the literature in individuals affected with CYP7B1-related conditions. This variant is not present in population databases (gnomAD no frequency).

Literature cited by the submitters: PubMed 16199547; PubMed 9802883; PubMed 19363635; PubMed 19439420; PubMed 21541746; PubMed 21567895; PubMed 28039895.

NM_004820.5(CYP7B1):c.122+1G>T

Gene: CYP7B1 (cytochrome P450 family 7 subfamily B member 1; minus strand). Cytogenetic location: 8q12.3.
Variant type: single nucleotide variant.
Coding change: c.122+1G>T on transcript NM_004820.5 (MANE Select); the canonical splice donor site of the intron after coding-DNA position 122, G replaced by T.
Molecular consequence: splice donor variant.
Genome position (GRCh38, 1-based): chr8:64,798,465, C>A on the plus strand (G>T on the coding strand, the complement: CYP7B1 is on the minus strand). VCF-style: chr8-64798465-C-A. GRCh37 (hg19) VCF-style: chr8-65711022-C-A.
Other names: c.122+1G>T (NM_001324112.2).
Identifiers: ClinVar variation 2068136 (VCV002068136.4), dbSNP rs1804744616, ClinGen allele CA371408125.
Genomic context (GRCh38, chr8:64,798,465, plus strand): 5'-GGGTCGCGCGCGGCCCGCGGGGCCCAGGGCGCATGCGTGGCCTGGCGGCCGAGGCGCTTA[C>A]CTGGTGCGCCGGACAAGCAAGCAGAGGGCCAGGAGCAGCAGGGCCGCGGCGAGGGCCAGG-3'